The following is an entry in ClinVar:

NM_002227.4(JAK1):c.1584G>T (p.Lys528Asn)

Gene: JAK1 (Janus kinase 1; minus strand). Cytogenetic location: 1p31.3.
Variant type: single nucleotide variant.
Coding change: c.1584G>T on transcript NM_002227.4 (MANE Select); coding-DNA position 1584, G replaced by T.
Protein change: p.Lys528Asn; replaces lysine 528 with asparagine.
Molecular consequence: missense variant.
Genome position (GRCh38, 1-based): chr1:64,855,573, C>A on the plus strand (G>T on the coding strand, the complement: JAK1 is on the minus strand). VCF-style: chr1-64855573-C-A. GRCh37 (hg19) VCF-style: chr1-65321256-C-A.
Other names: c.1584G>T, p.Lys528Asn (NM_001320923.2, NM_001321852.2, NM_001321853.2 and 3 more transcripts); c.1581G>T, p.Lys527Asn (NM_001321857.2); short protein forms K527N, K528N.
Identifiers: ClinVar variation 4763248 (VCV004763248.1).

ClinVar aggregate classification (germline): Uncertain significance (1 of 4 stars; one submission).

gnomAD v4.1: 1 of 1,614,178 alleles (0.000062%); highest among the groups gnomAD compares: African/African-American, 0.0013%; no homozygotes.

Submission:

Labcorp Genetics (formerly Invitae), Labcorp
Classification: Uncertain significance. Last evaluated: 2025-05-13. Review status: criteria provided, single submitter. Criteria: Invitae Variant Classification Sherloc (09022015). Collection method: clinical testing. Allele origin: germline.
Comment: This sequence change replaces lysine, which is basic and polar, with asparagine, which is neutral and polar, at codon 528 of the JAK1 protein (p.Lys528Asn). This variant is present in population databases (no rsID available, gnomAD 0.007%). This variant has not been reported in the literature in individuals affected with JAK1-related conditions. Invitae Evidence Modeling of protein sequence and biophysical properties (such as structural, functional, and spatial information, amino acid conservation, physicochemical variation, residue mobility, and thermodynamic stability) indicates that this missense variant is not expected to disrupt JAK1 protein function with a negative predictive value of 80%. In summary, the available evidence is currently insufficient to determine the role of this variant in disease. Therefore, it has been classified as a Variant of Uncertain Significance.